The following is an entry in ClinVar:

NM_001378418.1(TCF20):c.5836A>G (p.Lys1946Glu)

Gene: TCF20 (transcription factor 20; minus strand). Cytogenetic location: 22q13.2.
Variant type: single nucleotide variant.
Coding change: c.5836A>G on transcript NM_001378418.1 (MANE Select); coding-DNA position 5836, A replaced by G.
Protein change: p.Lys1946Glu; replaces lysine 1946 with glutamic acid.
Molecular consequence: missense variant. On other transcripts: intron variant (1).
Genome position (GRCh38, 1-based): chr22:42,168,700, T>C on the plus strand (A>G on the coding strand, the complement: TCF20 is on the minus strand). VCF-style: chr22-42168700-T-C. GRCh37 (hg19) VCF-style: chr22-42564706-T-C.
Other names: c.5836A>G, p.Lys1946Glu (NM_005650.4); c.5799+1147A>G (NM_181492.3); short protein forms K1946E.
Identifiers: ClinVar variation 2653244 (VCV002653244.24), dbSNP rs2518032375, ClinGen allele CA411773729.
Genomic context (GRCh38, chr22:42,168,700, plus strand): 5'-CACACTGCCCCCCTCACCCCCGCTCCGACTGCTCTGTGCTGAGGCTGCCTTTCGCGGTCT[T>C]GTTCTGCAAGGGGGGGAGAGGGCACGGAAGGGGAGGCTGACACGGGCAAAACCAAGAGGA-3'
Protein context (NP_001365347.1, residues 1936-1956): LPCPLPPLQN[Lys1946Glu]TAKGSLSTEQ

ClinVar aggregate classification (germline): Uncertain significance (1 of 4 stars; one submission).

Submission:

CeGaT Center for Human Genetics Tuebingen
Classification: Uncertain significance. Last evaluated: 2023-05-01. Review status: criteria provided, single submitter. Criteria: CeGaT Center For Human Genetics Tuebingen Variant Classification Criteria Version 2. Collection method: clinical testing. Allele origin: germline. Affected: yes. Observed: 1 variant allele.
Comment: TCF20: PM2, BP1